The following is an entry in ClinVar:

ClinVar aggregate classification (germline): Uncertain significance (1 of 4 stars; one submission).

Allele frequency attached by ClinVar (database versions not stated): gnomAD exomes below 0.00001.
gnomAD v4.1: 1 of 1,613,904 alleles (0.000062%); highest among the groups gnomAD compares: Non-Finnish European, 0.000085%; no homozygotes.

Submission:

Labcorp Genetics (formerly Invitae), Labcorp
Classification: Uncertain significance. Last evaluated: 2022-07-20. Review status: criteria provided, single submitter. Criteria: Invitae Variant Classification Sherloc (09022015). Collection method: clinical testing. Allele origin: germline.
Comment: In summary, the available evidence is currently insufficient to determine the role of this variant in disease. Therefore, it has been classified as a Variant of Uncertain Significance. Advanced modeling of protein sequence and biophysical properties (such as structural, functional, and spatial information, amino acid conservation, physicochemical variation, residue mobility, and thermodynamic stability) performed at Invitae indicates that this missense variant is not expected to disrupt FAT4 protein function. This variant has not been reported in the literature in individuals affected with FAT4-related conditions. This variant is not present in population databases (gnomAD no frequency). This sequence change replaces lysine, which is basic and polar, with asparagine, which is neutral and polar, at codon 2512 of the FAT4 protein (p.Lys2512Asn).

NM_001291303.3(FAT4):c.7542A>T (p.Lys2514Asn)

Gene: FAT4 (FAT atypical cadherin 4; plus strand). Cytogenetic location: 4q28.1.
Variant type: single nucleotide variant.
Coding change: c.7542A>T on transcript NM_001291303.3 (MANE Select); coding-DNA position 7542, A replaced by T.
Protein change: p.Lys2514Asn; replaces lysine 2514 with asparagine.
Molecular consequence: missense variant.
Genome position (GRCh38, 1-based): chr4:125,448,552, A>T. VCF-style: chr4-125448552-A-T. GRCh37 (hg19) VCF-style: chr4-126369707-A-T.
Other names: c.7542A>T, p.Lys2514Asn (NM_001291285.3); c.7536A>T, p.Lys2512Asn (NM_024582.6); short protein forms K2512N, K2514N.
Identifiers: ClinVar variation 1720919 (VCV001720919.3), dbSNP rs1950613501, ClinGen allele CA358140250.